The following is an entry in ClinVar:

ClinVar aggregate classification (germline): Uncertain significance (1 of 4 stars; one submission).

Conditions:
5-Oxoprolinase deficiency (OPLAHD). Also called: 5-OXOPROLINURIA DUE TO 5-OXOPROLINASE DEFICIENCY. Identifiers: Orphanet 33572, MedGen C0268525, MONDO:0009825, OMIM 260005, HP:0040142.

Submission:

Labcorp Genetics (formerly Invitae), Labcorp
Classification: Uncertain significance for 5-Oxoprolinase deficiency. Last evaluated: 2021-10-13. Review status: criteria provided, single submitter. Criteria: Invitae Variant Classification Sherloc (09022015). Collection method: clinical testing. Allele origin: germline.
Comment: This variant has not been reported in the literature in individuals affected with OPLAH-related conditions. This sequence change replaces asparagine with threonine at codon 415 of the OPLAH protein (p.Asn415Thr). The asparagine residue is weakly conserved and there is a small physicochemical difference between asparagine and threonine. This variant is not present in population databases (ExAC no frequency). Experimental studies and prediction algorithms are not available or were not evaluated, and the functional significance of this variant is currently unknown. In summary, the available evidence is currently insufficient to determine the role of this variant in disease. Therefore, it has been classified as a Variant of Uncertain Significance.

NM_017570.5(OPLAH):c.1244A>C (p.Asn415Thr)

Gene: OPLAH (5-oxoprolinase, ATP-hydrolysing; minus strand). Cytogenetic location: 8q24.3.
Variant type: single nucleotide variant.
Coding change: c.1244A>C on transcript NM_017570.5 (MANE Select); coding-DNA position 1244, A replaced by C.
Protein change: p.Asn415Thr; replaces asparagine 415 with threonine.
Molecular consequence: missense variant.
Genome position (GRCh38, 1-based): chr8:144,057,626, T>G on the plus strand (A>C on the coding strand, the complement: OPLAH is on the minus strand). VCF-style: chr8-144057626-T-G. GRCh37 (hg19) VCF-style: chr8-145112529-T-G.
Other names: short protein forms N415T.
Identifiers: ClinVar variation 1386608 (VCV001386608.6), dbSNP rs2129817333, ClinGen allele CA372563603.